The following is an entry in ClinVar:

ClinVar aggregate classification (germline): Uncertain significance. Review status: criteria provided, multiple submitters, no conflicts (2 of 4 stars). 7 submissions from 7 submitters: Uncertain significance (6). 1 of the submissions does not count toward it. Last evaluated 2026-04-20.

Conditions:
Cystic fibrosis (CF). Also called: MUCOVISCIDOSIS. Identifiers: Orphanet 586, MedGen C0010674, MONDO:0009061, OMIM 219700. Disease mechanism: loss of function.

Allele frequency attached by ClinVar (database versions not stated): gnomAD below 0.00001; TOPMed below 0.00001; gnomAD exomes 0.00001.

Submissions (7):

Women's Health and Genetics/Laboratory Corporation of America, LabCorp
Classification: Uncertain significance. Last evaluated: 2026-04-20. Review status: criteria provided, single submitter. Criteria: LabCorp Variant Classification Summary - May 2015. Collection method: clinical testing. Allele origin: germline.
Comment: Variant summary: CFTR c.1897C>A (p.Leu633Ile) results in a conservative amino acid change in the encoded protein sequence. Algorithms developed to predict the effect of missense changes on protein structure and function are either unavailable or do not agree on the potential impact of this missense change. The variant allele was found at a frequency of 8.1e-06 in 247920 control chromosomes. The available data on variant occurrences in the general population are insufficient to allow any conclusion about variant significance. c.1897C>A has been reported in the literature in the heterozygous or unknown state in individuals affected with clinical features of Cystic Fibrosis (e.g. Grangeia_2018, Karimi_2018, Atag_2019, Bozdogan_2021). These report(s) do not provide unequivocal conclusions about association of the variant with Cystic Fibrosis. To our knowledge, no experimental evidence demonstrating an impact on protein function has been reported. The following publications have been ascertained in the context of this evaluation (PMID: 30938940, 33572515, 29589582, 29850441). ClinVar contains an entry for this variant (Variation ID: 53410). Based on the evidence outlined above, the variant was classified as uncertain significance.

Labcorp Genetics (formerly Invitae), Labcorp
Classification: Uncertain significance for Cystic fibrosis. Last evaluated: 2025-12-01. Review status: criteria provided, single submitter. Criteria: Invitae Variant Classification Sherloc (09022015). Collection method: clinical testing. Allele origin: germline.
Comment: This sequence change replaces leucine, which is neutral and non-polar, with isoleucine, which is neutral and non-polar, at codon 633 of the CFTR protein (p.Leu633Ile). This variant is present in population databases (rs397508317, gnomAD 0.003%). This missense change has been observed in individual(s) with cystic fibrosis (PMID: 29850441, 30938940, 33572515, 34525262). ClinVar contains an entry for this variant (Variation ID: 53410). Invitae Evidence Modeling of protein sequence and biophysical properties (such as structural, functional, and spatial information, amino acid conservation, physicochemical variation, residue mobility, and thermodynamic stability) indicates that this missense variant is expected to disrupt CFTR protein function with a positive predictive value of 80%. In summary, the available evidence is currently insufficient to determine the role of this variant in disease. Therefore, it has been classified as a Variant of Uncertain Significance.

Genomic Medicine Center of Excellence, King Faisal Specialist Hospital and Research Centre
Classification: Uncertain significance for Cystic fibrosis. Last evaluated: 2024-12-19. Review status: criteria provided, single submitter. Criteria: ACMG Guidelines, 2015. Collection method: clinical testing. Allele origin: germline.

Ambry Genetics
Classification: Uncertain significance for Cystic fibrosis. Last evaluated: 2022-08-29. Review status: criteria provided, single submitter. Criteria: Ambry Variant Classification Scheme 2023. Collection method: clinical testing. Allele origin: germline.
Comment: The p.L633I variant (also known as c.1897C>A), located in coding exon 14 of the CFTR gene, results from a C to A substitution at nucleotide position 1897. The leucine at codon 633 is replaced by isoleucine, an amino acid with highly similar properties. This variant was detected in Iranian and Turkish cystic fibrosis (CF) cohorts, as well as Turkish CF newborn screening program; however, the presence of a second variant was not reported (Atag E et al. Pediatr Pulmonol, 2019 06;54:743-750; Karimi N et al. Mutat Res May;821:111708; Bozdogan ST et al. Genes (Basel), 2021 01;12:). This amino acid position is highly conserved in available vertebrate species. In addition, this alteration is predicted to be deleterious by in silico analysis. Since supporting evidence is limited at this time, the clinical significance of this alteration remains unclear.

Genome-Nilou Lab
Classification: Uncertain significance for Cystic fibrosis. Last evaluated: 2021-05-18. Review status: criteria provided, single submitter. Criteria: ACMG Guidelines, 2015. Collection method: clinical testing. Allele origin: germline. Affected: no.

Blueprint Genetics
Classification: Uncertain significance. Last evaluated: 2019-11-27. Review status: criteria provided, single submitter. Criteria: ACMG Guidelines, 2015. Collection method: clinical testing. Allele origin: germline.

Counsyl
Classification: Uncertain significance for Cystic fibrosis. Last evaluated: 2017-12-28. Review status: no assertion criteria provided. Collection method: clinical testing. Allele origin: unknown. Not counted in ClinVar's aggregate classification.

Literature cited by the submitters: PubMed 29589582 (cited by Women's Health and Genetics/Laboratory Corporation of America, LabCorp); PubMed 30938940 (cited by 3 submitters); PubMed 33572515 (cited by 3 submitters); PubMed 29850441 (cited by Women's Health and Genetics/Laboratory Corporation of America, LabCorp and Labcorp Genetics (formerly Invitae), Labcorp); PubMed 34525262 (cited by Labcorp Genetics (formerly Invitae), Labcorp); PubMed 32563932 (cited by Ambry Genetics).

NM_000492.4(CFTR):c.1897C>A (p.Leu633Ile)

Gene: CFTR (CF transmembrane conductance regulator; plus strand). Cytogenetic location: 7q31.2.
Variant type: single nucleotide variant.
Coding change: c.1897C>A on transcript NM_000492.4 (MANE Select); coding-DNA position 1897, C replaced by A.
Protein change: p.Leu633Ile; replaces leucine 633 with isoleucine.
Molecular consequence: missense variant.
Genome position (GRCh38, 1-based): chr7:117,592,064, C>A. VCF-style: chr7-117592064-C-A. GRCh37 (hg19) VCF-style: chr7-117232118-C-A.
Other names: short protein forms L633I.
Identifiers: ClinVar variation 53410 (VCV000053410.15), dbSNP rs397508317, ClinGen allele CA326708.